The following is an entry in ClinVar:

ClinVar aggregate classification (germline): Conflicting classifications of pathogenicity. Review status: criteria provided, conflicting classifications (1 of 4 stars). 2 submissions from 2 submitters: Pathogenic (1); Uncertain significance (1). Last evaluated 2025-03-25.

Conditions:
Inborn genetic diseases. Identifiers: MedGen C0950123, MeSH D030342.

Allele frequency attached by ClinVar (database versions not stated): gnomAD exomes below 0.00001.

Submissions (2):

Ambry Genetics
Classification: Pathogenic for Inborn genetic diseases. Last evaluated: 2025-03-25. Review status: criteria provided, single submitter. Criteria: Ambry Variant Classification Scheme 2023. Collection method: clinical testing. Allele origin: germline.
Comment: The c.229C>T (p.R77*) alteration, located in exon 4 (coding exon 4) of the ASXL1 gene, consists of a C to T substitution at nucleotide position 229. This changes the amino acid from a arginine (R) to a stop codon at amino acid position 77. This alteration is expected to result in loss of function by premature protein truncation or nonsense-mediated mRNA decay. Based on data from gnomAD, the T allele has an overall frequency of <0.001% (1/251470) total alleles studied. The highest observed frequency was 0.001% (1/113744) of European (non-Finnish) alleles. Based on the available evidence, this alteration is classified as pathogenic.

GeneDx
Classification: Uncertain significance. Last evaluated: 2023-04-18. Review status: criteria provided, single submitter. Criteria: GeneDx Variant Classification Process June 2021. Collection method: clinical testing. Allele origin: germline. Affected: yes.
Comment: Nonsense variant predicted to result in protein truncation or nonsense mediated decay in a gene for which loss of function is a known mechanism of disease; Has not been previously published as pathogenic or benign to our knowledge

NM_015338.6(ASXL1):c.229C>T (p.Arg77Ter)

Gene: ASXL1 (ASXL transcriptional regulator 1; plus strand). Cytogenetic location: 20q11.21.
Variant type: single nucleotide variant.
Coding change: c.229C>T on transcript NM_015338.6 (MANE Select); coding-DNA position 229, C replaced by T.
Protein change: p.Arg77Ter; replaces arginine 77 with a stop codon.
Molecular consequence: nonsense.
Genome position (GRCh38, 1-based): chr20:32,369,100, C>T. VCF-style: chr20-32369100-C-T. GRCh37 (hg19) VCF-style: chr20-30956903-C-T.
Other names: c.229C>T, p.Arg77Ter (NM_001164603.1); c.199C>T, p.Arg67Ter (NM_001363734.1); short protein forms R67*, R77*.
Identifiers: ClinVar variation 3253100 (VCV003253100.2), dbSNP rs1375830737.